The following is an entry in ClinVar:

NM_000551.4(VHL):c.439A>C (p.Ile147Leu)

Genes: VHL (von Hippel-Lindau tumor suppressor; plus strand), LOC107303340 (3p25 von Hippel-Lindau tumor suppressor, E3 ubiquitin protein ligase Alu-mediated recombination region; plus strand). Cytogenetic location: 3p25.3.
Variant type: single nucleotide variant.
Coding change: c.439A>C on transcript NM_000551.4 (MANE Select); coding-DNA position 439, A replaced by C.
Protein change: p.Ile147Leu; replaces isoleucine 147 with leucine.
Molecular consequence: missense variant. On other transcripts: intron variant (2), non-coding transcript variant (1).
Genome position (GRCh38, 1-based): chr3:10,146,612, A>C. VCF-style: chr3-10146612-A-C. GRCh37 (hg19) VCF-style: chr3-10188296-A-C.
Other names: c.*18-3175A>C (NM_001354723.2); c.341-3175A>C (NM_198156.3); short protein forms I147L.
Identifiers: ClinVar variation 4791559 (VCV004791559.1).

ClinVar aggregate classification (germline): Uncertain significance (1 of 4 stars; one submission).

Conditions:
Chuvash polycythemia. Also called: POLYCYTHEMIA, VHL-DEPENDENT. Identifiers: Orphanet 238557, MedGen C1837915, MONDO:0009892, OMIM 263400.
Von Hippel-Lindau syndrome (VHLS). Also called: von Hippel–Lindau syndrome; VHL syndrome; Von Hippel-Lindau. Identifiers: Orphanet 892, MedGen C0019562, MONDO:0008667, OMIM 193300. Disease mechanism: loss of function.

Submission:

Labcorp Genetics (formerly Invitae), Labcorp
Classification: Uncertain significance for Von Hippel-Lindau syndrome; Chuvash polycythemia. Last evaluated: 2025-08-04. Review status: criteria provided, single submitter. Criteria: Invitae Variant Classification Sherloc (09022015). Collection method: clinical testing. Allele origin: germline.
Comment: This sequence change replaces isoleucine, which is neutral and non-polar, with leucine, which is neutral and non-polar, at codon 147 of the VHL protein (p.Ile147Leu). This variant is not present in population databases (gnomAD no frequency). This variant has not been reported in the literature in individuals affected with VHL-related conditions. Invitae Evidence Modeling of protein sequence and biophysical properties (such as structural, functional, and spatial information, amino acid conservation, physicochemical variation, residue mobility, and thermodynamic stability) indicates that this missense variant is expected to disrupt VHL protein function with a positive predictive value of 95%. In summary, the available evidence is currently insufficient to determine the role of this variant in disease. Therefore, it has been classified as a Variant of Uncertain Significance.